The following is an entry in ClinVar:

ClinVar aggregate classification (germline): Pathogenic (1 of 4 stars; one submission).

Conditions:
Episodic kinesigenic dyskinesia (EKD). Also called: Paroxysmal kinesigenic dyskinesia. Identifiers: Orphanet 98809, MedGen C1868682, MONDO:0044202.

Submission:

Labcorp Genetics (formerly Invitae), Labcorp
Classification: Pathogenic for Episodic kinesigenic dyskinesia. Last evaluated: 2024-03-23. Review status: criteria provided, single submitter. Criteria: Invitae Variant Classification Sherloc (09022015). Collection method: clinical testing. Allele origin: germline.
Comment: This sequence change creates a premature translational stop signal (p.Gln83*) in the PRRT2 gene. It is expected to result in an absent or disrupted protein product. Loss-of-function variants in PRRT2 are known to be pathogenic (PMID: 22623405, 22744660). This variant is not present in population databases (gnomAD no frequency). This variant has not been reported in the literature in individuals affected with PRRT2-related conditions. For these reasons, this variant has been classified as Pathogenic.

Literature cited by the submitters: PubMed 22623405; PubMed 22744660.

NM_145239.3(PRRT2):c.247C>T (p.Gln83Ter)

Genes: MVP-DT (MVP divergent transcript; minus strand), PRRT2 (proline rich transmembrane protein 2; plus strand). Cytogenetic location: 16p11.2.
Variant type: single nucleotide variant.
Coding change: c.247C>T on transcript NM_145239.3 (MANE Select); coding-DNA position 247, C replaced by T.
Protein change: p.Gln83Ter; replaces glutamine 83 with a stop codon.
Molecular consequence: nonsense.
Genome position (GRCh38, 1-based): chr16:29,813,301, C>T. VCF-style: chr16-29813301-C-T. GRCh37 (hg19) VCF-style: chr16-29824622-C-T.
Other names: c.247C>T, p.Gln83Ter (NM_001256442.2, NM_001256443.2); short protein forms Q83*.
Identifiers: ClinVar variation 3640459 (VCV003640459.2).
Genomic context (GRCh38, chr16:29,813,301, plus strand): 5'-CCCAAGGCTGGGCTGGCTCCAGAAACCACAGAGACCCCGGCTGGGGCCTCAGAAACAGCC[C>T]AGGCCACAGACCTCAGCTTAAGCCCAGGAGGGGAATCAAAGGCCAACTGCAGCCCCGAAG-3'